The following is an entry in ClinVar:

ClinVar aggregate classification (germline): Uncertain significance (1 of 4 stars; one submission).

Conditions:
Lysinuric protein intolerance (LPI). Identifiers: Orphanet 470, MedGen C0268647, MONDO:0009109, OMIM 222700.

Allele frequency attached by ClinVar (database versions not stated): gnomAD exomes below 0.00001.
gnomAD v4.1: 2 of 1,614,088 alleles (0.00012%); highest among the groups gnomAD compares: Middle Eastern, 0.017%; no homozygotes.

Submission:

Labcorp Genetics (formerly Invitae), Labcorp
Classification: Uncertain significance for Lysinuric protein intolerance. Last evaluated: 2022-01-17. Review status: criteria provided, single submitter. Criteria: Invitae Variant Classification Sherloc (09022015). Collection method: clinical testing. Allele origin: germline.
Comment: In summary, the available evidence is currently insufficient to determine the role of this variant in disease. Therefore, it has been classified as a Variant of Uncertain Significance. Algorithms developed to predict the effect of missense changes on protein structure and function are either unavailable or do not agree on the potential impact of this missense change (SIFT: "Deleterious"; PolyPhen-2: "Probably Damaging"; Align-GVGD: "Class C15"). This variant has not been reported in the literature in individuals affected with SLC7A7-related conditions. This variant is not present in population databases (gnomAD no frequency). This sequence change replaces lysine, which is basic and polar, with glutamic acid, which is acidic and polar, at codon 415 of the SLC7A7 protein (p.Lys415Glu).

NM_003982.4(SLC7A7):c.1243A>G (p.Lys415Glu)

Gene: SLC7A7 (solute carrier family 7 member 7; minus strand). Cytogenetic location: 14q11.2.
Variant type: single nucleotide variant.
Coding change: c.1243A>G on transcript NM_003982.4 (MANE Select); coding-DNA position 1243, A replaced by G.
Protein change: p.Lys415Glu; replaces lysine 415 with glutamic acid.
Molecular consequence: missense variant.
Genome position (GRCh38, 1-based): chr14:22,774,356, T>C on the plus strand (A>G on the coding strand, the complement: SLC7A7 is on the minus strand). VCF-style: chr14-22774356-T-C. GRCh37 (hg19) VCF-style: chr14-23243565-T-C.
Other names: c.1243A>G, p.Lys415Glu (NM_001126105.3, NM_001126106.4); short protein forms K415E.
Identifiers: ClinVar variation 2161150 (VCV002161150.4), dbSNP rs1566439199, ClinGen allele CA388921553.